The following is an entry in ClinVar:

NM_003334.4(UBA1):c.2647-9_2647-6del

Gene: UBA1 (ubiquitin like modifier activating enzyme 1; plus strand). Cytogenetic location: Xp11.3.
Variant type: Deletion.
Coding change: c.2647-9_2647-6del on transcript NM_003334.4 (MANE Select); 9 bases into the intron before coding-DNA position 2647 through 6 bases into the intron before coding-DNA position 2647, 4 bases deleted (GTCT; older notation c.2647-9_2647-6delGTCT).
Molecular consequence: intron variant.
Genome position (GRCh38, 1-based): chrX:47,212,981-47,212,984, GTCT deleted; deleting any 4 consecutive bases within chrX:47,212,978-47,212,984 gives the same sequence; the c. name uses the placement nearest the transcript's 3' end. VCF-style (leftmost placement, unchanged base first): chrX-47212977-TTCTG-T. GRCh37 (hg19) VCF-style: chrX-47072376-TTCTG-T.
Other names: c.2647-9_2647-6del (NM_153280.3).
Identifiers: ClinVar variation 1118440 (VCV001118440.11), dbSNP rs1173482035, ClinGen allele CA875802883.
Genomic context (GRCh38, chrX:47,212,977, plus strand): 5'-CACTTAGCCCCTCTGTAGACCCTGAGGCTCTTGTACTTAACTACCACCTTCTTTTGTCCC[TTCTG>T]TCTCTCAGAGCAAGCTGATTGCAGGGAAGATCATCCCAGCCATTGCCACGACCACAGCAG-3'

ClinVar aggregate classification (germline): Conflicting classifications of pathogenicity. Review status: criteria provided, conflicting classifications (1 of 4 stars). 2 submissions from 2 submitters: Uncertain significance (1); Likely benign (1). Last evaluated 2023-12-14.

Conditions:
Inborn genetic diseases. Identifiers: MedGen C0950123, MeSH D030342.
Infantile-onset X-linked spinal muscular atrophy. Also called: AMC, DISTAL, X-LINKED; ARTHROGRYPOSIS, X-LINKED, TYPE I; SPINAL MUSCULAR ATROPHY, X-LINKED LETHAL INFANTILE; Spinal muscular atrophy, X-linked 2; Spinal Muscular Atrophy, X-Linked Infantile. Identifiers: Orphanet 1145, MedGen C1844934, MONDO:0010532, OMIM 301830.

Submissions (2):

Labcorp Genetics (formerly Invitae), Labcorp
Classification: Likely benign for Infantile-onset X-linked spinal muscular atrophy. Last evaluated: 2023-12-14. Review status: criteria provided, single submitter. Criteria: Invitae Variant Classification Sherloc (09022015). Collection method: clinical testing. Allele origin: germline.

Ambry Genetics
Classification: Uncertain significance for Inborn genetic diseases. Last evaluated: 2019-12-05. Review status: criteria provided, single submitter. Criteria: Ambry Variant Classification Scheme 2023. Collection method: clinical testing. Allele origin: germline.
Comment: The c.2647-9_2647-6delGTCT intronic variant, located in intron 21 of the UBA1 gene, results from a deletion of 4 nucleotides within intron 21 of the UBA1 gene. These nucleotide positions are not well conserved in available vertebrate species. Using the BDGP and ESEfinder splice site prediction tools, this alteration is not predicted to have any significant effect on this splice acceptor site; however, direct evidence is unavailable. Since supporting evidence is limited at this time, the clinical significance of this alteration remains unclear.